The following is an entry in ClinVar:

NM_000077.5(CDKN2A):c.-30G>A

Genes: CDKN2A (cyclin dependent kinase inhibitor 2A; minus strand), LOC130001603 (ATAC-STARR-seq lymphoblastoid silent region 19811; plus strand). Cytogenetic location: 9p21.3.
Variant type: single nucleotide variant.
Coding change: c.-30G>A on transcript NM_000077.5; 30 bases upstream of the start codon, G replaced by A.
Molecular consequence: 5 prime UTR variant (on NM_001195132.2). On other transcripts: intron variant (2).
Genome position (GRCh38, 1-based): chr9:21,974,857, C>T on the plus strand (G>A on the coding strand, the complement: CDKN2A is on the minus strand). VCF-style: chr9-21974857-C-T. GRCh37 (hg19) VCF-style: chr9-21974856-C-T.
Other names: c.-30G>A (NM_000077.6, NM_001195132.2, NM_058197.5); c.-3-3649G>A (NM_001363763.2); c.194-3649G>A (NM_058195.4).
Identifiers: ClinVar variation 419789 (VCV000419789.2), dbSNP rs780207215, ClinGen allele CA5012352.

ClinVar aggregate classification (germline): Uncertain significance (1 of 4 stars; one submission).

Allele frequency attached by ClinVar (database versions not stated): TOPMed 0.00001; ExAC 0.00003.
gnomAD v4.1: 109 of 1,523,162 alleles (0.0072%); highest among the groups gnomAD compares: Non-Finnish European, 0.0094%; no homozygotes.

Submission:

GeneDx
Classification: Uncertain significance. Last evaluated: 2015-09-08. Review status: criteria provided, single submitter. Criteria: GeneDx Variant Classification (06012015). Collection method: clinical testing. Allele origin: germline. Affected: yes.
Comment: This variant is denoted CDKN2A c.-30G>A, and describes a G>A substitution 30 bases upstream of the translation initiation site. The CDKN2A gene encodes the p16 protein, and using an alternate reading frame, the p14-ARF protein as well. This variant occurs just upstream of the start codon for p14-ARF and there have not, to our knowledge, been any published regulatory mutations in the p14-ARF isoform. Although this variant does not appear to affect the start codon or the Kozak translational consensus sequence, there are published variants in p16, including c.-34G>T, that are considered to be pathogenic and predispose to melanoma (Liu 1999, Bisio 2010). This variant was not observed in approximately 6,500 individuals of European and African American ancestry in the NHLBI Exome Sequencing Project, suggesting it is not a common benign variant in these populations. Based on currently available information, it is unclear whether CDKN2A c.-30G>A is pathogenic or benign. We consider it to be a variant of uncertain significance.